The following is an entry in ClinVar:

NM_017777.4(MKS1):c.713T>G (p.Val238Gly)

Gene: MKS1 (MKS transition zone complex subunit 1; minus strand). Cytogenetic location: 17q22.
Variant type: single nucleotide variant.
Coding change: c.713T>G on transcript NM_017777.4 (MANE Select); coding-DNA position 713, T replaced by G.
Protein change: p.Val238Gly; replaces valine 238 with glycine.
Molecular consequence: missense variant.
Genome position (GRCh38, 1-based): chr17:58,213,801, A>C on the plus strand (T>G on the coding strand, the complement: MKS1 is on the minus strand). VCF-style: chr17-58213801-A-C. GRCh37 (hg19) VCF-style: chr17-56291162-A-C.
Other names: c.104T>G, p.Val35Gly (NM_001321268.2); c.713T>G, p.Val238Gly (NM_001321269.2, NM_001330397.2); c.713T>G (NM_017777.3); short protein forms V35G, V238G.
Identifiers: ClinVar variation 1362312 (VCV001362312.7), dbSNP rs376785849, ClinGen allele CA8669440.

ClinVar aggregate classification (germline): Uncertain significance. Review status: criteria provided, multiple submitters, no conflicts (2 of 4 stars). 2 submissions from 2 submitters: Uncertain significance (2). Last evaluated 2026-07-20.

Conditions:
Joubert syndrome. Also called: Familial aplasia of the vermis; JOUBERT-BOLTSHAUSER SYNDROME. Identifiers: Orphanet 475, MedGen C5979921, MONDO:0018772.
Meckel-Gruber syndrome. Also called: Dysencephalia splachnocystica; GRUBER SYNDROME; DYSENCEPHALIA SPLANCHNOCYSTICA. Identifiers: Orphanet 564, MedGen C0265215, MONDO:0018921.
MKS1-related disorder. Also called: MKS1-related condition; MKS1-related disorders. Identifiers: MedGen CN239382.

Allele frequency attached by ClinVar (database versions not stated): TOPMed below 0.00001; gnomAD 0.00001; gnomAD exomes 0.00002 and 0.00003; ExAC 0.00005; ESP Exome Variant Server 0.00008.

Submissions (2):

PreventionGenetics, part of Exact Sciences
Classification: Uncertain significance for MKS1-related condition. Last evaluated: 2026-07-20. Review status: criteria provided, single submitter. Criteria: ACMG Guidelines, 2015. Collection method: clinical testing. Allele origin: germline.
Comment: The MKS1 c.713T>G variant is predicted to result in the amino acid substitution p.Val238Gly. To our knowledge, this variant has not been reported in the literature. This variant is reported in 0.0070% of alleles in individuals of European (Non-Finnish) descent in gnomAD. At this time, the clinical significance of this variant is uncertain due to the absence of conclusive functional and genetic evidence.

Labcorp Genetics (formerly Invitae), Labcorp
Classification: Uncertain significance for Joubert syndrome; Meckel-Gruber syndrome. Last evaluated: 2026-01-12. Review status: criteria provided, single submitter. Criteria: Invitae Variant Classification Sherloc (09022015). Collection method: clinical testing. Allele origin: germline.
Comment: This sequence change replaces valine, which is neutral and non-polar, with glycine, which is neutral and non-polar, at codon 238 of the MKS1 protein (p.Val238Gly). This variant is present in population databases (rs376785849, gnomAD 0.007%). This variant has not been reported in the literature in individuals affected with MKS1-related conditions. ClinVar contains an entry for this variant (Variation ID: 1362312). Invitae Evidence Modeling of protein sequence and biophysical properties (such as structural, functional, and spatial information, amino acid conservation, physicochemical variation, residue mobility, and thermodynamic stability) indicates that this missense variant is expected to disrupt MKS1 protein function with a positive predictive value of 80%. In summary, the available evidence is currently insufficient to determine the role of this variant in disease. Therefore, it has been classified as a Variant of Uncertain Significance.